The following is an entry in ClinVar:

NM_032638.5(GATA2):c.188C>G (p.Pro63Arg)

Gene: GATA2 (GATA binding protein 2; minus strand). Cytogenetic location: 3q21.3.
Variant type: single nucleotide variant.
Coding change: c.188C>G on transcript NM_032638.5 (MANE Select); coding-DNA position 188, C replaced by G.
Protein change: p.Pro63Arg; replaces proline 63 with arginine.
Molecular consequence: missense variant.
Genome position (GRCh38, 1-based): chr3:128,486,844, G>C on the plus strand (C>G on the coding strand, the complement: GATA2 is on the minus strand). VCF-style: chr3-128486844-G-C. GRCh37 (hg19) VCF-style: chr3-128205687-G-C.
Other names: c.188C>G, p.Pro63Arg (NM_001145661.2, NM_001145662.1); short protein forms P63R.
Identifiers: ClinVar variation 846852 (VCV000846852.11), dbSNP rs1576749724, ClinGen allele CA354408387.

ClinVar aggregate classification (germline): Uncertain significance. Review status: criteria provided, multiple submitters, no conflicts (2 of 4 stars). 2 submissions from 2 submitters: Uncertain significance (2). Last evaluated 2025-10-24.

Conditions:
Deafness-lymphedema-leukemia syndrome. Also called: Lymphedema, primary, with myelodysplasia; Emberger syndrome. Identifiers: Orphanet 3226, MedGen C3279664, MONDO:0013540, OMIM 614038.
Monocytopenia with susceptibility to infections. Also called: Dendritic cell, monocyte, B lymphocyte, and natural killer lymphocyte deficiency; MONOCYTOPENIA AND MYCOBACTERIAL INFECTION SYNDROME; MONOCYTOPENIA WITH SUSCEPTIBILITY TO MYCOBACTERIAL, FUNGAL, AND PAPILLOMAVIRUS INFECTIONS AND MYELODYSPLASIA; COMBINED IMMUNODEFICIENCY WITH SUSCEPTIBILITY TO MYCOBACTERIAL, VIRAL, AND FUNGAL INFECTIONS; IMMUNODEFICIENCY 21; GATA2 DEFICIENCY. Identifiers: Orphanet 228423, MedGen C3280030, MONDO:0013607, OMIM 614172.
Inborn genetic diseases. Identifiers: MedGen C0950123, MeSH D030342.

Allele frequency attached by ClinVar (database versions not stated): gnomAD exomes below 0.00001; gnomAD 0.00001.

Submissions (2):

Ambry Genetics
Classification: Uncertain significance for Inborn genetic diseases. Last evaluated: 2025-10-24. Review status: criteria provided, single submitter. Criteria: Ambry Variant Classification Scheme 2023. Collection method: clinical testing. Allele origin: germline.

Labcorp Genetics (formerly Invitae), Labcorp
Classification: Uncertain significance for Monocytopenia with susceptibility to infections; Deafness-lymphedema-leukemia syndrome. Last evaluated: 2023-09-06. Review status: criteria provided, single submitter. Criteria: Invitae Variant Classification Sherloc (09022015). Collection method: clinical testing. Allele origin: germline.
Comment: In summary, the available evidence is currently insufficient to determine the role of this variant in disease. Therefore, it has been classified as a Variant of Uncertain Significance. This variant is not present in population databases (gnomAD no frequency). Advanced modeling of protein sequence and biophysical properties (such as structural, functional, and spatial information, amino acid conservation, physicochemical variation, residue mobility, and thermodynamic stability) performed at Invitae indicates that this missense variant is not expected to disrupt GATA2 protein function. ClinVar contains an entry for this variant (Variation ID: 846852). This variant has not been reported in the literature in individuals affected with GATA2-related conditions. This sequence change replaces proline, which is neutral and non-polar, with arginine, which is basic and polar, at codon 63 of the GATA2 protein (p.Pro63Arg).